The following is an entry in ClinVar:

NM_001077418.3(TMEM231):c.214C>G (p.Leu72Val)

Gene: TMEM231 (transmembrane protein 231; minus strand). Cytogenetic location: 16q23.1.
Variant type: single nucleotide variant.
Coding change: c.214C>G on transcript NM_001077418.3 (MANE Select); coding-DNA position 214, C replaced by G.
Protein change: p.Leu72Val; replaces leucine 72 with valine.
Molecular consequence: missense variant. On other transcripts: non-coding transcript variant (1).
Genome position (GRCh38, 1-based): chr16:75,555,899, G>C on the plus strand (C>G on the coding strand, the complement: TMEM231 is on the minus strand). VCF-style: chr16-75555899-G-C. GRCh37 (hg19) VCF-style: chr16-75589797-G-C.
Other names: c.373C>G, p.Leu125Val (NM_001077416.2); short protein forms L72V, L125V.
Identifiers: ClinVar variation 1375223 (VCV001375223.6), dbSNP rs2151710764, ClinGen allele CA396809172.

ClinVar aggregate classification (germline): Uncertain significance (1 of 4 stars; one submission).

Conditions:
Meckel syndrome, type 11 (MKS11). Identifiers: Orphanet 564, MedGen C3809352, MONDO:0014164, OMIM 615397.
Joubert syndrome 20 (JBTS20). Identifiers: Orphanet 475, MedGen C3554235, MONDO:0013994, OMIM 614970.

Submission:

Labcorp Genetics (formerly Invitae), Labcorp
Classification: Uncertain significance for Joubert syndrome 20; Meckel syndrome, type 11. Last evaluated: 2024-02-17. Review status: criteria provided, single submitter. Criteria: Invitae Variant Classification Sherloc (09022015). Collection method: clinical testing. Allele origin: germline.
Comment: This sequence change replaces leucine, which is neutral and non-polar, with valine, which is neutral and non-polar, at codon 125 of the TMEM231 protein (p.Leu125Val). This variant is not present in population databases (gnomAD no frequency). This variant has not been reported in the literature in individuals affected with TMEM231-related conditions. ClinVar contains an entry for this variant (Variation ID: 1375223). Experimental studies and prediction algorithms are not available or were not evaluated, and the functional significance of this variant is currently unknown. In summary, the available evidence is currently insufficient to determine the role of this variant in disease. Therefore, it has been classified as a Variant of Uncertain Significance.